The following is an entry in ClinVar:

ClinVar aggregate classification (germline): Uncertain significance (0 of 4 stars; one submission).

Conditions:
SLCO1B3-related disorder. Also called: SLCO1B3-related condition.

Allele frequency attached by ClinVar (database versions not stated): ESP Exome Variant Server 0.00023.
gnomAD v4.1: 146 of 1,604,458 alleles (0.0091%); highest among the groups gnomAD compares: Middle Eastern, 0.18%; no homozygotes.

Submission:

PreventionGenetics, part of Exact Sciences
Classification: Uncertain significance for SLCO1B3-related condition. Last evaluated: 2024-08-06. Review status: no assertion criteria provided. Collection method: clinical testing. Allele origin: germline.
Comment: The SLCO1B3 c.482-6C>A variant is predicted to interfere with splicing. This variant is predicted to result in the creation of a cryptic splice acceptor site (SpliceAI, Jaganathan et al. 2019. PubMed ID: 30661751). To our knowledge, this variant has not been reported in the literature. This variant is reported in 0.027% of alleles in individuals of Latino descent in gnomAD. At this time, the clinical significance of this variant is uncertain due to the absence of conclusive functional and genetic evidence.

NM_019844.4(SLCO1B3):c.482-6C>A

Genes: SLCO1B3 (solute carrier organic anion transporter family member 1B3; plus strand), SLCO1B3-SLCO1B7 (SLCO1B3-SLCO1B7 readthrough; plus strand). Cytogenetic location: 12p12.2.
Variant type: single nucleotide variant.
Coding change: c.482-6C>A on transcript NM_019844.4 (MANE Select); 6 bases into the intron before coding-DNA position 482, C replaced by A.
Molecular consequence: intron variant.
Genome position (GRCh38, 1-based): chr12:20,862,406, C>A. VCF-style: chr12-20862406-C-A. GRCh37 (hg19) VCF-style: chr12-21015340-C-A.
Other names: c.398-6C>A (NM_001349920.2); c.482-6C>A (NM_001371097.1).
Identifiers: ClinVar variation 2634168 (VCV002634168.2), dbSNP rs371430666, ClinGen allele CA6475220.